The following is an entry in ClinVar:

ClinVar aggregate classification (germline): Uncertain significance (1 of 4 stars; one submission).

Conditions:
Joubert syndrome 23 (JBTS23). Identifiers: Orphanet 475, MedGen C4084822, MONDO:0014664, OMIM 616490.
Short-rib thoracic dysplasia 14 with polydactyly (SRTD14). Identifiers: Orphanet 397715, MedGen C4225286, MONDO:0014688, OMIM 616546.

Allele frequency attached by ClinVar (database versions not stated): TOPMed below 0.00001; gnomAD 0.00001.
gnomAD v4.1: 1 of 1,613,822 alleles (0.000062%); highest among the groups gnomAD compares: African/African-American, 0.0013%; no homozygotes.

Submission:

Labcorp Genetics (formerly Invitae), Labcorp
Classification: Uncertain significance for Joubert syndrome 23; Short-rib thoracic dysplasia 14 with polydactyly. Last evaluated: 2021-04-11. Review status: criteria provided, single submitter. Criteria: Invitae Variant Classification Sherloc (09022015). Collection method: clinical testing. Allele origin: germline.
Comment: This sequence change replaces arginine with cysteine at codon 64 of the KIAA0586 protein (p.Arg64Cys). The arginine residue is moderately conserved and there is a large physicochemical difference between arginine and cysteine. This variant is not present in population databases (ExAC no frequency). This variant has not been reported in the literature in individuals with KIAA0586-related conditions. Algorithms developed to predict the effect of missense changes on protein structure and function output the following: SIFT: "Deleterious"; PolyPhen-2: "Benign"; Align-GVGD: "Class C0". The cysteine amino acid residue is found in multiple mammalian species, suggesting that this missense change does not adversely affect protein function. These predictions have not been confirmed by published functional studies and their clinical significance is uncertain. In summary, the available evidence is currently insufficient to determine the role of this variant in disease. Therefore, it has been classified as a Variant of Uncertain Significance.

NM_001329943.3(KIAA0586):c.154C>T (p.Arg52Cys)

Gene: KIAA0586 (KIAA0586; plus strand). Cytogenetic location: 14q23.1.
Variant type: single nucleotide variant.
Coding change: c.154C>T on transcript NM_001329943.3 (MANE Select); coding-DNA position 154, C replaced by T.
Protein change: p.Arg52Cys; replaces arginine 52 with cysteine.
Molecular consequence: missense variant. On other transcripts: intron variant (5).
Genome position (GRCh38, 1-based): chr14:58,428,418, C>T. VCF-style: chr14-58428418-C-T. GRCh37 (hg19) VCF-style: chr14-58895136-C-T.
Other names: c.154C>T, p.Arg52Cys (NM_001329944.2, NM_001329946.2, NM_001329947.2 and 1 more transcripts); c.-57+781C>T (NM_001244192.2, NM_001244191.2); c.-57+605C>T (NM_001364701.2, NM_001329945.2, NM_001364700.1); c.190C>T, p.Arg64Cys (NM_001244189.2); c.109C>T, p.Arg37Cys (NM_001244190.2); short protein forms R37C, R52C, R64C.
Identifiers: ClinVar variation 1460876 (VCV001460876.8), dbSNP rs1445118511, ClinGen allele CA389859247.